The following is an entry in ClinVar:

NM_020937.4(FANCM):c.3476T>C (p.Leu1159Ser)

Gene: FANCM (FA complementation group M; plus strand). Cytogenetic location: 14q21.2.
Variant type: single nucleotide variant.
Coding change: c.3476T>C on transcript NM_020937.4 (MANE Select); coding-DNA position 3476, T replaced by C.
Protein change: p.Leu1159Ser; replaces leucine 1159 with serine.
Molecular consequence: missense variant.
Genome position (GRCh38, 1-based): chr14:45,176,230, T>C. VCF-style: chr14-45176230-T-C. GRCh37 (hg19) VCF-style: chr14-45645433-T-C.
Other names: c.3398T>C, p.Leu1133Ser (NM_001308133.2); c.3476T>C (NM_020937.2); short protein forms L1133S, L1159S.
Identifiers: ClinVar variation 1463801 (VCV001463801.10), dbSNP rs1045206208, ClinGen allele CA259628320.
Genomic context (GRCh38, chr14:45,176,230, plus strand): 5'-ATGTTAATACAGAGTTCGACGATGTGAGTCTTTCACCCTTGAACAGTAAAAGCGAATCTT[T>C]ACCTGTGTCAGACAAAACTGCTATTAGTGAAACGCCTCTGGTCTCTCAGTTCTTAATTTC-3'
Protein context (NP_065988.1, residues 1149-1169): LSPLNSKSES[Leu1159Ser]PVSDKTAISE

ClinVar aggregate classification (germline): Uncertain significance. Review status: criteria provided, multiple submitters, no conflicts (2 of 4 stars). 2 submissions from 2 submitters: Uncertain significance (2). Last evaluated 2025-04-16.

Conditions:
Fanconi anemia (FA). Also called: Fanconi's anemia. Identifiers: Orphanet 84, MedGen C0015625, MeSH D005199, MONDO:0019391.

Allele frequency attached by ClinVar (database versions not stated): gnomAD 0.00001; gnomAD exomes 0.00001; TOPMed 0.00001.
gnomAD v4.1: 12 of 1,613,994 alleles (0.00074%); highest among the groups gnomAD compares: Non-Finnish European, 0.001%; no homozygotes.

Submissions (2):

GeneDx
Classification: Uncertain significance. Last evaluated: 2025-04-16. Review status: criteria provided, single submitter. Criteria: GeneDx Variant Classification Process June 2021. Collection method: clinical testing. Allele origin: germline.
Comment: Not observed at significant frequency in large population cohorts (gnomAD); In silico analysis indicates that this missense variant does not alter protein structure/function; Has not been previously published as pathogenic or benign to our knowledge

Labcorp Genetics (formerly Invitae), Labcorp
Classification: Uncertain significance for Fanconi anemia. Last evaluated: 2022-11-01. Review status: criteria provided, single submitter. Criteria: Invitae Variant Classification Sherloc (09022015). Collection method: clinical testing. Allele origin: germline.
Comment: In summary, the available evidence is currently insufficient to determine the role of this variant in disease. Therefore, it has been classified as a Variant of Uncertain Significance. Algorithms developed to predict the effect of missense changes on protein structure and function output the following: SIFT: "Tolerated"; PolyPhen-2: "Benign"; Align-GVGD: "Class C0". The serine amino acid residue is found in multiple mammalian species, which suggests that this missense change does not adversely affect protein function. ClinVar contains an entry for this variant (Variation ID: 1463801). This variant has not been reported in the literature in individuals affected with FANCM-related conditions. The frequency data for this variant in the population databases is considered unreliable, as metrics indicate poor data quality at this position in the gnomAD database. This sequence change replaces leucine, which is neutral and non-polar, with serine, which is neutral and polar, at codon 1159 of the FANCM protein (p.Leu1159Ser).